The following is an entry in ClinVar:

ClinVar aggregate classification (germline): Uncertain significance (1 of 4 stars; one submission).

gnomAD v4.1: 4 of 1,614,076 alleles (0.00025%); highest among the groups gnomAD compares: South Asian, 0.0011%; no homozygotes.

Submission:

Labcorp Genetics (formerly Invitae), Labcorp
Classification: Uncertain significance. Last evaluated: 2025-11-13. Review status: criteria provided, single submitter. Criteria: Invitae Variant Classification Sherloc (09022015). Collection method: clinical testing. Allele origin: germline.
Comment: This sequence change affects codon 85 of the PLA2G5 mRNA. It is a 'silent' change, meaning that it does not change the encoded amino acid sequence of the PLA2G5 protein. This variant is present in population databases (rs762989305, gnomAD 0.003%). This variant has not been reported in the literature in individuals affected with PLA2G5-related conditions. Algorithms developed to predict the effect of sequence changes on RNA splicing suggest that this variant may disrupt the consensus splice site. In summary, the available evidence is currently insufficient to determine the role of this variant in disease. Therefore, it has been classified as a Variant of Uncertain Significance.

NM_000929.3(PLA2G5):c.255C>T (p.Ser85=)

Gene: PLA2G5 (phospholipase A2 group V; plus strand). Cytogenetic location: 1p36.13.
Variant type: single nucleotide variant.
Coding change: c.255C>T on transcript NM_000929.3 (MANE Select); coding-DNA position 255, C replaced by T.
Protein change: p.Ser85=; no amino-acid change (serine 85 retained).
Molecular consequence: synonymous variant.
Genome position (GRCh38, 1-based): chr1:20,089,858, C>T. VCF-style: chr1-20089858-C-T. GRCh37 (hg19) VCF-style: chr1-20416351-C-T.
Identifiers: ClinVar variation 4760057 (VCV004760057.1).